The following is an entry in ClinVar:

NM_000257.4(MYH7):c.1171A>T (p.Asn391Tyr)

Gene: MYH7 (myosin heavy chain 7; minus strand). Cytogenetic location: 14q11.2.
Variant type: single nucleotide variant.
Coding change: c.1171A>T on transcript NM_000257.4 (MANE Select); coding-DNA position 1171, A replaced by T.
Protein change: p.Asn391Tyr; replaces asparagine 391 with tyrosine.
Molecular consequence: missense variant.
Genome position (GRCh38, 1-based): chr14:23,429,315, T>A on the plus strand (A>T on the coding strand, the complement: MYH7 is on the minus strand). VCF-style: chr14-23429315-T-A. GRCh37 (hg19) VCF-style: chr14-23898524-T-A.
Other names: c.1171A>T, p.Asn391Tyr (NM_001407004.1); short protein forms N391Y.
Identifiers: ClinVar variation 2811677 (VCV002811677.4), dbSNP rs2502303394, ClinGen allele CA389051194.

ClinVar aggregate classification (germline): Conflicting classifications of pathogenicity. Review status: criteria provided, conflicting classifications (1 of 4 stars). 2 submissions from 2 submitters: Likely pathogenic (1); Uncertain significance (1). Last evaluated 2024-08-23.

Conditions:
Cardiovascular phenotype. Identifiers: MedGen CN230736.
Hypertrophic cardiomyopathy. Also called: HYPERTROPHIC MYOCARDIOPATHY. Identifiers: Orphanet 217569, MedGen C0007194, MeSH D002312, MONDO:0005045, HP:0001639.

Submissions (2):

Ambry Genetics
Classification: Uncertain significance for Cardiovascular phenotype. Last evaluated: 2024-08-23. Review status: criteria provided, single submitter. Criteria: Ambry Variant Classification Scheme 2023. Collection method: clinical testing. Allele origin: germline.
Comment: The p.N391Y variant (also known as c.1171A>T), located in coding exon 11 of the MYH7 gene, results from an A to T substitution at nucleotide position 1171. The asparagine at codon 391 is replaced by tyrosine, an amino acid with dissimilar properties. This alteration is located in the myosin head domain, which contains a statistically significant clustering of pathogenic missense variants (Homburger JR et al. Proc Natl Acad Sci U S A, 2016 06;113:6701-6; Walsh R et al. Genet Med, 2017 02;19:192-203; Ambry internal data). This amino acid position is highly conserved in available vertebrate species. In addition, this alteration is predicted to be deleterious by in silico analysis. Based on the available evidence, the clinical significance of this variant remains unclear.

Labcorp Genetics (formerly Invitae), Labcorp
Classification: Likely pathogenic for Hypertrophic cardiomyopathy. Last evaluated: 2022-11-03. Review status: criteria provided, single submitter. Criteria: Invitae Variant Classification Sherloc (09022015). Collection method: clinical testing. Allele origin: germline.
Comment: In summary, the currently available evidence indicates that the variant is pathogenic, but additional data are needed to prove that conclusively. Therefore, this variant has been classified as Likely Pathogenic. This variant disrupts the p.Asn391 amino acid residue in MYH7. Other variant(s) that disrupt this residue have been determined to be pathogenic (PMID: 23283745, 29743414). This suggests that this residue is clinically significant, and that variants that disrupt this residue are likely to be disease-causing. Advanced modeling of protein sequence and biophysical properties (such as structural, functional, and spatial information, amino acid conservation, physicochemical variation, residue mobility, and thermodynamic stability) performed at Invitae indicates that this missense variant is expected to disrupt MYH7 protein function. This variant has not been reported in the literature in individuals affected with MYH7-related conditions. This variant is not present in population databases (gnomAD no frequency). This sequence change replaces asparagine, which is neutral and polar, with tyrosine, which is neutral and polar, at codon 391 of the MYH7 protein (p.Asn391Tyr).

Literature cited by the submitters: PubMed 23283745 (cited by Labcorp Genetics (formerly Invitae), Labcorp); PubMed 29743414 (cited by Labcorp Genetics (formerly Invitae), Labcorp).